The following is an entry in ClinVar:

NM_001374623.1(PNPLA1):c.488C>T (p.Pro163Leu)

Gene: PNPLA1 (patatin like domain 1, omega-hydroxyceramide transacylase; plus strand). Cytogenetic location: 6p21.31.
Variant type: single nucleotide variant.
Coding change: c.488C>T on transcript NM_001374623.1 (MANE Select); coding-DNA position 488, C replaced by T.
Protein change: p.Pro163Leu; replaces proline 163 with leucine.
Molecular consequence: missense variant.
Genome position (GRCh38, 1-based): chr6:36,293,110, C>T. VCF-style: chr6-36293110-C-T. GRCh37 (hg19) VCF-style: chr6-36260887-C-T.
Other names: c.203C>T, p.Pro68Leu (NM_001145716.2, NM_173676.2); c.488C>T, p.Pro163Leu (NM_001145717.1); short protein forms P163L, P68L.
Identifiers: ClinVar variation 2579650 (VCV002579650.10), dbSNP rs777658285, ClinGen allele CA3777723.

ClinVar aggregate classification (germline): Pathogenic/Likely pathogenic. Review status: criteria provided, multiple submitters, no conflicts (2 of 4 stars). 6 submissions from 6 submitters: Pathogenic (2); Likely pathogenic (3). 1 of the submissions does not count toward it. Last evaluated 2025-05-27.

Conditions:
Autosomal recessive congenital ichthyosis 10 (ARCI10). Identifiers: Orphanet 79394, MedGen C3554355, MONDO:0014011, OMIM 615024.

Allele frequency attached by ClinVar (database versions not stated): ExAC 0.00001; gnomAD exomes 0.00001; TOPMed 0.00001.

Submissions (6):

3billion
Classification: Pathogenic for Autosomal recessive congenital ichthyosis 10. Last evaluated: 2025-05-27. Review status: criteria provided, single submitter. Criteria: ACMG Guidelines, 2015. Collection method: clinical testing. Allele origin: germline. Affected: yes.
Comment: The variant is observed at an extremely low frequency in the gnomAD v4.1.0 dataset (total allele frequency: 0.001%). Predicted Consequence/Location: Missense variant In silico tool predictions suggest damaging effect of the variant on gene or gene product [REVEL: 0.75 (>=0.6, sensitivity 0.68 and specificity 0.92); 3Cnet: 0.22 (> 0.75, sensitivity 0.96 and precision 0.92)]. The same nucleotide change resulting in the same amino acid change has been previously reported as pathogenic/likely pathogenic with strong evidence (ClinVar ID: VCV002579650 /PMID: 27884779 /3billion dataset). The variant has been reported to be in trans with a pathogenic variant as either compound heterozygous or homozygous in at least one similarly affected unrelated individual (3billion dataset). A different missense change at the same codon (p.Pro163Thr) has been reported to be associated with PNPLA1-related disorder (PMID: 35412663). However the evidence of pathogenicity is insufficient at this time. Therefore, this variant is classified as Pathogenic according to the recommendation of ACMG/AMP guideline.

GeneDx
Classification: Likely pathogenic. Last evaluated: 2025-01-07. Review status: criteria provided, single submitter. Criteria: GeneDx Variant Classification Process June 2021. Collection method: clinical testing. Allele origin: germline. Affected: yes.
Comment: Published functional studies demonstrate a damaging effect with reduced d7-acylceramide levels (PMID: 35970721); In silico analysis supports that this missense variant has a deleterious effect on protein structure/function; Not observed at significant frequency in large population cohorts (gnomAD); This variant is associated with the following publications: (PMID: 28093717, 29624231, 27884779, 28369476, 33103336, 32534952, 35970721)

Fulgent Genetics
Classification: Likely pathogenic for Autosomal recessive congenital ichthyosis 10. Last evaluated: 2024-03-04. Review status: criteria provided, single submitter. Criteria: ACMG Guidelines, 2015. Collection method: clinical testing. Allele origin: germline.

Labcorp Genetics (formerly Invitae), Labcorp
Classification: Pathogenic. Last evaluated: 2023-08-03. Review status: criteria provided, single submitter. Criteria: Invitae Variant Classification Sherloc (09022015). Collection method: clinical testing. Allele origin: germline.
Comment: For these reasons, this variant has been classified as Pathogenic. Experimental studies have shown that this missense change affects PNPLA1 function (PMID: 35970721). An algorithm developed to predict the effect of missense changes on protein structure and function (PolyPhen-2) suggests that this variant is likely to be disruptive. This missense change has been observed in individuals with autosomal recessive congenital ichthyosis (PMID: 27884779; Invitae). It has also been observed to segregate with disease in related individuals. This variant is present in population databases (rs777658285, gnomAD 0.0009%). This sequence change replaces proline, which is neutral and non-polar, with leucine, which is neutral and non-polar, at codon 163 of the PNPLA1 protein (p.Pro163Leu).

Juno Genomics, Hangzhou Juno Genomics, Inc
Classification: Likely pathogenic for Autosomal recessive congenital ichthyosis 10. Review status: criteria provided, single submitter. Criteria: ACMG Guidelines, 2015. Collection method: clinical testing. Allele origin: germline.
Comment: Absent from controls (or at extremely low frequency if recessive) in Genome Aggregation Database.;For recessive disorders, detected in trans with a pathogenic variant.;Co-segregation with disease in multiple affected family members.;Patient's phenotype or family history is highly specific for a disease with a single genetic etiology.;Well-established in vitro or in vivo functional studies supportive of a damaging effect on the gene or gene product.

Narges Medical Genetic and Prenatal Diagnosis Lab
Classification: Uncertain significance for Autosomal recessive congenital ichthyosis 10. Review status: no assertion criteria provided. Collection method: clinical testing. Allele origin: germline. Inheritance: Autosomal recessive inheritance. Affected: yes. Observed: 1 homozygote. Not counted in ClinVar's aggregate classification.

Literature cited by the submitters: PubMed 27884779 (cited by 3billion and Labcorp Genetics (formerly Invitae), Labcorp); PubMed 35412663 (cited by 3billion); PubMed 35970721 (cited by Labcorp Genetics (formerly Invitae), Labcorp).